The following is an entry in ClinVar:

NM_006269.2(RP1):c.5805T>G (p.Phe1935Leu)

Genes: RP1 (RP1 axonemal microtubule associated; plus strand), LOC126860392 (CDK7 strongly-dependent group 2 enhancer GRCh37_chr8:55541319-55542518; plus strand). Cytogenetic location: 8q12.1.
Variant type: single nucleotide variant.
Coding change: c.5805T>G on transcript NM_006269.2 (MANE Select); coding-DNA position 5805, T replaced by G.
Protein change: p.Phe1935Leu; replaces phenylalanine 1935 with leucine.
Molecular consequence: missense variant.
Genome position (GRCh38, 1-based): chr8:54,629,687, T>G. VCF-style: chr8-54629687-T-G. GRCh37 (hg19) VCF-style: chr8-55542247-T-G.
Other names: short protein forms F1935L.
Identifiers: ClinVar variation 636225 (VCV000636225.16), dbSNP rs140137224, ClinGen allele CA4752133.

ClinVar aggregate classification (germline): Uncertain significance. Review status: criteria provided, multiple submitters, no conflicts (2 of 4 stars). 6 submissions from 6 submitters: Uncertain significance (5). 1 of the submissions does not count toward it. Last evaluated 2025-12-23.

Conditions:
RP1-related disorder. Also called: RP1-related condition.
Retinal dystrophy. Also called: Inherited retinal dystrophy. Identifiers: Orphanet 71862, MedGen C0854723, MeSH D058499, MONDO:0019118, HP:0000556.
Retinitis pigmentosa (RP). Identifiers: Orphanet 791, MedGen C0035334, MeSH D012174, MONDO:0019200, OMIM 268000. Inheritance: Autosomal dominant, autosomal recessive and X linked inheritance.

Allele frequency attached by ClinVar (database versions not stated): gnomAD 0.00015 and 0.00016; TOPMed 0.00015; gnomAD exomes 0.00016 and 0.00025; ExAC 0.00018; ESP Exome Variant Server 0.00023; 1000 Genomes Project 30x 0.00031.
gnomAD v4.1: 378 of 1,613,720 alleles (0.023%); highest among the groups gnomAD compares: Non-Finnish European, 0.029%; no homozygotes.

Submissions (6):

Labcorp Genetics (formerly Invitae), Labcorp
Classification: Uncertain significance. Last evaluated: 2025-12-23. Review status: criteria provided, single submitter. Criteria: Invitae Variant Classification Sherloc (09022015). Collection method: clinical testing. Allele origin: germline.
Comment: This sequence change replaces phenylalanine, which is neutral and non-polar, with leucine, which is neutral and non-polar, at codon 1935 of the RP1 protein (p.Phe1935Leu). This variant is present in population databases (rs140137224, gnomAD 0.04%). This missense change has been observed in individual(s) with clinical features of retinitis pigmentosa (PMID: 30718709, 37734845). ClinVar contains an entry for this variant (Variation ID: 636225). An algorithm developed to predict the effect of missense changes on protein structure and function (PolyPhen-2) suggests that this variant is likely to be disruptive. In summary, the available evidence is currently insufficient to determine the role of this variant in disease. Therefore, it has been classified as a Variant of Uncertain Significance.

PreventionGenetics, part of Exact Sciences
Classification: Uncertain significance for RP1-related condition. Last evaluated: 2025-07-28. Review status: criteria provided, single submitter. Criteria: ACMG Guidelines, 2015. Collection method: clinical testing. Allele origin: germline.
Comment: The RP1 c.5805T>G variant is predicted to result in the amino acid substitution p.Phe1935Leu. This variant has been reported along with the c.3101A>T (p.His1034Leu) variant in individuals with retinitis disease (supplemental data, Jespersgaard et al. 2019. PubMed ID: 30718709; Table S1, Weisschuh et al. 2024. PubMed ID: 37734845). This variant was also reported in another study in an individual with retinitis pigmentosa; however, authors suggested that it was less likely to be a primary cause of disease, as the variant did not segregate with autosomal dominant retinitis pigmentosa within the family (Berson et al. 2001. PubMed ID: 11527933). This variant is present in 0.027% of alleles in individuals of European (Non-Finnish) descent in gnomAD. The variant co-occurrence tool indicates that this variant is likely to be a part of the same haplotype with the c.3101A>T (p.His1034Leu) variant. At this time, the clinical significance of this variant is uncertain due to the absence of conclusive functional and genetic evidence.

Blueprint Genetics
Classification: Uncertain significance. Last evaluated: 2024-09-30. Review status: criteria provided, single submitter. Criteria: ACMG Guidelines, 2015. Collection method: clinical testing. Allele origin: germline.

Institute of Human Genetics, Univ. Regensburg, Univ. Regensburg
Classification: Uncertain significance for Retinal dystrophy. Last evaluated: 2019-01-01. Review status: criteria provided, single submitter. Criteria: ACMG Guidelines, 2015. Collection method: clinical testing. Allele origin: germline. Affected: yes.

Illumina Laboratory Services, Illumina
Classification: Uncertain significance for Retinitis pigmentosa. Last evaluated: 2017-04-27. Review status: criteria provided, single submitter. Criteria: ICSL Variant Classification Criteria 13 December 2019. Collection method: clinical testing. Allele origin: germline.
Comment: This variant was observed as part of a predisposition screen in an ostensibly healthy population. A literature search was performed for the gene, cDNA change, and amino acid change (where applicable). Publications were found based on this search. However, the evidence from the literature, in combination with allele frequency data from public databases where available, was not sufficient to rule this variant in or out of causing disease. Therefore, this variant is classified as a variant of unknown significance.

Department of Clinical Genetics, Copenhagen University Hospital, Rigshospitalet
Classification: Uncertain significance for Retinitis pigmentosa. Last evaluated: 2018-04-01. Review status: no assertion criteria provided. Collection method: research. Allele origin: unknown. Affected: yes. Study: VeluxRD. Not counted in ClinVar's aggregate classification.

Literature cited by the submitters: PubMed 30718709 (cited by 3 submitters); PubMed 37734845 (cited by Labcorp Genetics (formerly Invitae), Labcorp); PubMed 11527933 (cited by Illumina Laboratory Services, Illumina).